The following is an entry in ClinVar:

ClinVar aggregate classification (germline): Pathogenic/Likely pathogenic. Review status: criteria provided, multiple submitters, no conflicts (2 of 4 stars). 8 submissions from 8 submitters: Pathogenic (3); Likely pathogenic (5). Last evaluated 2025-04-30.

Conditions:
Hereditary breast ovarian cancer syndrome. Also called: Hereditary breast and ovarian cancer syndrome; Hereditary breast and ovarian cancer; Hereditary breast and ovarian cancer syndrome (HBOC); Breast and ovarian cancer; Hereditary breast and/or ovarian cancer syndrome; BRCA1- and BRCA2-Associated Hereditary Breast and Ovarian Cancer. Identifiers: Orphanet 145, MedGen C0677776, MeSH D061325, MONDO:0003582. Disease mechanism: loss of function.
Breast-ovarian cancer, familial, susceptibility to, 4. Identifiers: Orphanet 145, MedGen C3280345, MONDO:0013669, OMIM 614291.
Hereditary cancer-predisposing syndrome. Also called: Neoplastic Syndromes, Hereditary; Tumor predisposition; Hereditary Cancer Syndrome; Hereditary neoplastic syndrome. Identifiers: Orphanet 140162, MedGen C0027672, MeSH D009386, MONDO:0015356.

Submissions (8):

Ambry Genetics
Classification: Likely pathogenic for Hereditary cancer-predisposing syndrome. Last evaluated: 2025-04-30. Review status: criteria provided, single submitter. Criteria: Ambry Variant Classification Scheme 2023. Collection method: clinical testing. Allele origin: germline.
Comment: The c.577-2A>G intronic variant results from an A to G substitution two nucleotides upstream from coding exon 7 in the RAD51D gene. This variant was also detected in 2/6178 families with a history of tubo-ovarian carcinoma or breast cancer (Yang X et al. J Natl Cancer Inst, 2020 12;112:1242-1250). This nucleotide position is highly conserved in available vertebrate species. In silico splice site analysis predicts that this alteration will weaken the native splice acceptor site and will result in the creation or strengthening of a novel splice acceptor site. Internal and published RNA studies have demonstrated that this alteration results in abnormal splicing in the set of samples tested (Ambry internal data; Bueno-Mart&iacute;nez E et al. Cancers (Basel), 2021 Jun;13). Alterations that disrupt the canonical splice site are expected to cause aberrant splicing, resulting in an abnormal protein or a transcript that is subject to nonsense-mediated mRNA decay. As such, this alteration is classified as likely pathogenic.

Quest Diagnostics Nichols Institute San Juan Capistrano
Classification: Pathogenic. Last evaluated: 2024-08-15. Review status: criteria provided, single submitter. Criteria: Quest Diagnostics criteria. Collection method: clinical testing. Allele origin: unknown.
Comment: This variant disrupts a canonical splice-acceptor site and interferes with normal RAD51D mRNA splicing. In the published literature, this variant has been reported in individuals with a personal and/or family history of breast and/or ovarian cancer (PMIDs: 27616075 (2016), 29255180 (2017), 30257646 (2018), 32107557 (2020), and 33471991 (2021); LOVD3 Shared). In addition, this variant alters RAD51D RNA splicing in a minigene assay (PMID: 34200360 (2021)). This variant has not been reported in large, multi-ethnic general populations.Based on the available information, this variant is classified as pathogenic.

Labcorp Genetics (formerly Invitae), Labcorp
Classification: Pathogenic for Breast-ovarian cancer, familial, susceptibility to, 4. Last evaluated: 2024-08-08. Review status: criteria provided, single submitter. Criteria: Invitae Variant Classification Sherloc (09022015). Collection method: clinical testing. Allele origin: germline.
Comment: This sequence change affects an acceptor splice site in intron 6 of the RAD51D gene. It is expected to disrupt RNA splicing. Variants that disrupt the donor or acceptor splice site typically lead to a loss of protein function (PMID: 16199547), and loss-of-function variants in RAD51D are known to be pathogenic (PMID: 21822267). This variant is not present in population databases (gnomAD no frequency). Disruption of this splice site has been observed in individual(s) with breast and/or ovarian cancer (PMID: 27616075, 30257646, 32107557). ClinVar contains an entry for this variant (Variation ID: 482184). Studies have shown that disruption of this splice site alters mRNA splicing and is expected to lead to the loss of protein expression (PMID: 34200360). For these reasons, this variant has been classified as Pathogenic.

GeneDx
Classification: Likely pathogenic. Last evaluated: 2024-04-03. Review status: criteria provided, single submitter. Criteria: GeneDx Variant Classification Process June 2021. Collection method: clinical testing. Allele origin: germline. Affected: yes.
Comment: Canonical splice site variant predicted to result in a null allele and demonstrated to result in multiple aberrant transcripts in a minigene assay in a gene for which loss of function is a known mechanism of disease (PMID: 34200360); Observed in association with breast cancer (PMID: 32107557, 27616075); Not observed at significant frequency in large population cohorts (gnomAD); This variant is associated with the following publications: (PMID: 26556299, 27616075, 29255180, 34200360, 32107557, 30257646)

Color Diagnostics, LLC DBA Color Health
Classification: Likely pathogenic for Hereditary cancer-predisposing syndrome. Last evaluated: 2024-04-01. Review status: criteria provided, single submitter. Criteria: ACMG Guidelines, 2015. Collection method: clinical testing. Allele origin: germline.
Comment: This variant causes an A to G nucleotide substitution at the -2 position of intron 6 of the RAD51D gene. Splice site prediction tools suggest that this variant may have a significant impact on RNA splicing. RNA studies indicate this variant results in multiple aberrantly spliced products and is expected to result loss of RAD51D function (PMID: 34200360). This variant has been reported in an individual affected with breast cancer (PMID: 27616075, 32107557, 33471991). This variant has not been identified in the general population by the Genome Aggregation Database (gnomAD). Loss of RAD51D function is a known mechanism of disease. Based on the available evidence, this variant is classified as Likely Pathogenic.

Myriad Genetics, Inc.
Classification: Likely pathogenic for Breast-ovarian cancer, familial, susceptibility to, 4. Last evaluated: 2024-01-04. Review status: criteria provided, single submitter. Criteria: Myriad Autosomal Dominant, Autosomal Recessive and X-Linked Classification Criteria (2023). Collection method: clinical testing. Allele origin: unknown.
Comment: This variant is considered likely pathogenic. This variant occurs within a consensus splice junction and is predicted to result in abnormal mRNA splicing of either an out-of-frame exon or an in-frame exon necessary for protein stability and/or normal function.

Baylor Genetics
Classification: Pathogenic for Breast-ovarian cancer, familial, susceptibility to, 4. Last evaluated: 2023-03-12. Review status: criteria provided, single submitter. Criteria: ACMG Guidelines, 2015. Collection method: clinical testing. Allele origin: unknown.

Women's Health and Genetics/Laboratory Corporation of America, LabCorp
Classification: Likely pathogenic for Hereditary breast and ovarian cancer syndrome. Last evaluated: 2019-07-05. Review status: criteria provided, single submitter. Criteria: LabCorp Variant Classification Summary - May 2015. Collection method: clinical testing. Allele origin: germline.
Comment: Variant summary: RAD51D c.577-2A>G is located in a canonical splice-site and is predicted to affect mRNA splicing resulting in a significantly altered protein due to either exon skipping, shortening, or inclusion of intronic material. Several computational tools predict a significant impact on normal splicing: Four predict the variant abolishes a 3' acceptor site. However, these predictions have yet to be confirmed by functional studies. The variant was absent in 250980 control chromosomes. c.577-2A>G has been reported in the literature in at-least two individuals affected with Triple Negative Hereditary Breast and Ovarian Cancer (Golmard_2017, Kraus_2017, Hoyer_2018). These data indicate that the variant may be associated with disease. To our knowledge, no experimental evidence demonstrating an impact on protein function has been reported. Two clinical diagnostic laboratories have submitted clinical-significance assessments for this variant to ClinVar after 2014 without evidence for independent evaluation. All laboratories classified the variant as pathogenic/likely pathogenic. Based on the evidence outlined above, the variant was classified as likely pathogenic.

Literature cited by the submitters: PubMed 27616075 (cited by 5 submitters); PubMed 29255180 (cited by 3 submitters); PubMed 32107557 (cited by 4 submitters); PubMed 34200360 (cited by 4 submitters); PubMed 30257646 (cited by 3 submitters); PubMed 33471991 (cited by Quest Diagnostics Nichols Institute San Juan Capistrano and Color Diagnostics, LLC DBA Color Health); PubMed 16199547 (cited by Labcorp Genetics (formerly Invitae), Labcorp); PubMed 21822267 (cited by Labcorp Genetics (formerly Invitae), Labcorp).

NM_002878.4(RAD51D):c.577-2A>G

Genes: RAD51L3-RFFL (RAD51L3-RFFL readthrough; minus strand), RAD51D (RAD51 paralog D; minus strand). Cytogenetic location: 17q12.
Variant type: single nucleotide variant.
Coding change: c.577-2A>G on transcript NM_002878.4 (MANE Select); the canonical splice acceptor site of the intron before coding-DNA position 577, A replaced by G.
Molecular consequence: splice acceptor variant.
Genome position (GRCh38, 1-based): chr17:35,103,546, T>C on the plus strand (A>G on the coding strand, the complement: RAD51D is on the minus strand). VCF-style: chr17-35103546-T-C. GRCh37 (hg19) VCF-style: chr17-33430565-T-C.
Other names: c.241-2A>G (NM_133629.3); c.637-2A>G (NM_001142571.2).
Identifiers: ClinVar variation 482184 (VCV000482184.21), dbSNP rs1555567649, ClinGen allele CA399088005.